The following is an entry in ClinVar:

NM_003640.5(ELP1):c.3083G>A (p.Trp1028Ter)

Gene: ELP1 (elongator acetyltransferase complex subunit 1; minus strand). Cytogenetic location: 9q31.3.
Variant type: single nucleotide variant.
Coding change: c.3083G>A on transcript NM_003640.5 (MANE Select); coding-DNA position 3083, G replaced by A.
Protein change: p.Trp1028Ter; replaces tryptophan 1028 with a stop codon.
Molecular consequence: nonsense.
Genome position (GRCh38, 1-based): chr9:108,891,280, C>T on the plus strand (G>A on the coding strand, the complement: ELP1 is on the minus strand). VCF-style: chr9-108891280-C-T. GRCh37 (hg19) VCF-style: chr9-111653560-C-T.
Other names: c.2741G>A, p.Trp914Ter (NM_001318360.2); c.2036G>A, p.Trp679Ter (NM_001330749.2); short protein forms W1028*, W679*, W914*.
Identifiers: ClinVar variation 4815217 (VCV004815217.1).
Genomic context (GRCh38, chr9:108,891,280, plus strand): 5'-AGGCCCACCAGCTGGTCTTTGGTAAAGTTAAGCTGGGCTGCCACACAGAGGGCTTGCTTC[C>T]AGTTGCCACATGTCAGAAAGGCTGAGAGAGCTTTCTCGTGGGCACCGCAACGGGCAAACA-3'

ClinVar aggregate classification (germline): Likely pathogenic (1 of 4 stars; one submission).

Conditions:
Familial dysautonomia. Also called: HSAN III; FD. Identifiers: Orphanet 1764, MedGen C0013364, MONDO:0009131, OMIM 223900. Disease mechanism: loss of function.

Submission:

Natera, Inc.
Classification: Likely pathogenic for Familial dysautonomia. Last evaluated: 2024-12-12. Review status: criteria provided, single submitter. Criteria: Natera Variant Classification Schema (03/2026). Collection method: clinical testing. Allele origin: germline.
Comment: The c.3083G>A variant in ELP1 is a nonsense variant predicted to introduce a stop codon at amino acid 1028. This variant is expected to result in nonsense mediated decay, truncation, or a dysfunctional protein product. This variant is rare in the general population with a frequency below the threshold expected for the associated phenotype(s). Given the available evidence, this variant is classified as Likely Pathogenic.